The following is an entry in ClinVar:

ClinVar aggregate classification (germline): Uncertain significance. Review status: criteria provided, multiple submitters, no conflicts (2 of 4 stars). 5 submissions from 5 submitters: Uncertain significance (4). 1 of the submissions does not count toward it. Last evaluated 2026-07-22.

Conditions:
LOXHD1-related disorder. Also called: LOXHD1-related condition.
Autosomal recessive nonsyndromic hearing loss 77. Identifiers: Orphanet 90636, MedGen C2746083, MONDO:0013119, OMIM 613079.

Allele frequency attached by ClinVar (database versions not stated): gnomAD 0.00003 and 0.00005; TOPMed 0.00004; ExAC 0.00005; gnomAD exomes 0.00006 and 0.00012; 1000 Genomes Project 0.00020; 1000 Genomes Project 30x 0.00031.
gnomAD v4.1: 174 of 1,551,572 alleles (0.011%); highest among the groups gnomAD compares: East Asian, 0.38%; 1 homozygote.

Submissions (5):

PreventionGenetics, part of Exact Sciences
Classification: Uncertain significance for LOXHD1-related condition. Last evaluated: 2026-07-22. Review status: criteria provided, single submitter. Criteria: ACMG Guidelines, 2015. Collection method: clinical testing. Allele origin: germline.
Comment: The LOXHD1 c.1828G>A variant is predicted to result in the amino acid substitution p.Glu610Lys. This variant was reported in the homozygous state and in the compound heterozygous state with a variant of uncertain significance in two unrelated individuals with hearing loss (Maekawa et al. 2019. PubMed ID: 31547530; Zhang et al. 2019. PubMed ID: 31709873). This variant is reported in 0.018% of alleles in individuals of East Asian descent in gnomAD. Although we suspect that this variant may be pathogenic, at this time, the clinical significance of this variant is uncertain due to the absence of conclusive functional and genetic evidence.

Laboratory for Molecular Medicine, Mass General Brigham Personalized Medicine
Classification: Uncertain significance. Last evaluated: 2018-08-22. Review status: criteria provided, single submitter. Criteria: LMM Criteria. Collection method: clinical testing. Allele origin: germline. Observed: 1 variant allele.
Comment: The p.Glu610Lys variant in LOXHD1 has not been previously reported in individual s with hearing loss, but has been identified in 0.019% (2/10240) of East Asian c hromosomes by the Genome Aggregation Database (gnomAD). This variant has also been reported in ClinVar (Variation ID 326867). Computational prediction tools and conservation analysis suggest that this vari ant may impact the protein, though this information is not predictive enough to determine pathogenicity. In summary, the clinical significance of the p.Glu610Ly s variant is uncertain. ACMG/AMP Criteria applied: PP3, PM2_Supporting.

Illumina Laboratory Services, Illumina
Classification: Uncertain significance for Autosomal recessive nonsyndromic hearing loss 77. Last evaluated: 2018-01-12. Review status: criteria provided, single submitter. Criteria: ICSL Variant Classification Criteria 13 December 2019. Collection method: clinical testing. Allele origin: germline.

Breakthrough Genomics
Classification: Uncertain significance. Review status: criteria provided, single submitter. Criteria: ACMG Guidelines, 2015. Collection method: not provided. Allele origin: germline. Inheritance: Autosomal recessive inheritance. Affected: yes.

Natera, Inc.
Classification: Uncertain significance for Autosomal recessive deafness type 77. Last evaluated: 2019-12-30. Review status: no assertion criteria provided. Collection method: clinical testing. Allele origin: germline. Not counted in ClinVar's aggregate classification.

NM_001384474.1(LOXHD1):c.1828G>A (p.Glu610Lys)

Gene: LOXHD1 (lipoxygenase homology PLAT domains 1; minus strand). Cytogenetic location: 18q21.1.
Variant type: single nucleotide variant.
Coding change: c.1828G>A on transcript NM_001384474.1 (MANE Select); coding-DNA position 1828, G replaced by A.
Protein change: p.Glu610Lys; replaces glutamic acid 610 with lysine.
Molecular consequence: missense variant.
Genome position (GRCh38, 1-based): chr18:46,577,849, C>T on the plus strand (G>A on the coding strand, the complement: LOXHD1 is on the minus strand). VCF-style: chr18-46577849-C-T. GRCh37 (hg19) VCF-style: chr18-44157812-C-T.
Other names: p.Glu610Lys; c.1828G>A, p.Glu610Lys (NM_144612.7); short protein forms E610K.
Identifiers: ClinVar variation 326867 (VCV000326867.13), dbSNP rs535637788, ClinGen allele CA8952748.
Genomic context (GRCh38, chr18:46,577,849, plus strand): 5'-CGGAGCCTTTGCCATCGTGTCTGATCCTCACCCGCCTCACATTCCGCATGGTGACAGACT[C>T]GATAGTGAACTCGTCAGCCTTGTGGGGGGAAACCACAAGGCCAGTTAGACAGTGGCTACC-3'
Protein context (NP_001371403.1, residues 600-620): EKGNADEFTI[Glu610Lys]SVTMRNVRRV